The following is an entry in ClinVar:

ClinVar aggregate classification (germline): Likely pathogenic (1 of 4 stars; one submission).

Conditions:
Dilated cardiomyopathy 1G (CMD1G). Identifiers: Orphanet 154, MedGen C1858763, MONDO:0011400, OMIM 604145.
Autosomal recessive limb-girdle muscular dystrophy type 2J (LGMDR10). Also called: Limb-girdle muscular dystrophy, type 2J; MUSCULAR DYSTROPHY, LIMB-GIRDLE, AUTOSOMAL RECESSIVE 10. Identifiers: Orphanet 140922, MedGen C1837342, MONDO:0012127, OMIM 608807.

Allele frequency attached by ClinVar (database versions not stated): gnomAD exomes below 0.00001.
gnomAD v4.1: 1 of 1,613,576 alleles (0.000062%); highest among the groups gnomAD compares: Non-Finnish European, 0.000085%; no homozygotes.

Submission:

Labcorp Genetics (formerly Invitae), Labcorp
Classification: Likely pathogenic for Dilated cardiomyopathy 1G; Autosomal recessive limb-girdle muscular dystrophy type 2J. Last evaluated: 2023-12-23. Review status: criteria provided, single submitter. Criteria: Invitae Variant Classification Sherloc (09022015). Collection method: clinical testing. Allele origin: germline.
Comment: This sequence change creates a premature translational stop signal (p.Trp4733*) in the TTN gene. While this is not anticipated to result in nonsense mediated decay, it is expected to create a truncated TTN protein. This variant is not present in population databases (gnomAD no frequency). This variant has not been observed in the literature in individuals with autosomal recessive TTN-related conditions. This variant has been reported in individual(s) with autosomal dominant dilated cardiomyopathy (Invitae); however, the role of the variant in this condition is currently unclear. ClinVar contains an entry for this variant (Variation ID: 657765). This variant is located in the I band of TTN (PMID: 25589632). Truncating variants in this region have been reported in individuals affected with autosomal recessive centronuclear myopathy (PMID: 23975875). Truncating variants in this region have also been identified in individuals affected with autosomal dominant dilated cardiomyopathy and/or cardio-related conditions (PMID: 27869827, 32964742). In summary, the currently available evidence indicates that the variant is pathogenic, but additional data are needed to prove that conclusively. Therefore, this variant has been classified as Likely Pathogenic.

Literature cited by the submitters: PubMed 25589632; PubMed 23975875; PubMed 27869827; PubMed 32964742.

NM_001267550.2(TTN):c.14198G>A (p.Trp4733Ter)

Gene: TTN (titin; minus strand). Cytogenetic location: 2q31.2.
Variant type: single nucleotide variant.
Coding change: c.14198G>A on transcript NM_001267550.2 (MANE Select); coding-DNA position 14198, G replaced by A.
Protein change: p.Trp4733Ter; replaces tryptophan 4733 with a stop codon.
Molecular consequence: nonsense.
Genome position (GRCh38, 1-based): chr2:178,738,255, C>T on the plus strand (G>A on the coding strand, the complement: TTN is on the minus strand). VCF-style: chr2-178738255-C-T. GRCh37 (hg19) VCF-style: chr2-179602982-C-T.
Other names: c.13247G>A, p.Trp4416Ter (NM_001256850.1); c.13109G>A, p.Trp4370Ter (NM_003319.4); c.10466G>A, p.Trp3489Ter (NM_133378.4); c.13484G>A, p.Trp4495Ter (NM_133432.3); c.13685G>A, p.Trp4562Ter (NM_133437.4); short protein forms W4416*, W4733*, W4370*, W4495*, W3489*, W4562*.
Identifiers: ClinVar variation 657765 (VCV000657765.9), dbSNP rs1574050861, ClinGen allele CA349602643.
Genomic context (GRCh38, chr2:178,738,255, plus strand): 5'-TACTTTGAAGATCGAATAGAACACTTGTCACTCTCATAAATTTCTCGGCCAGCTTTAAAC[C>T]ACTGGAACCGGACATTGGGAGCACTTTGGATCTCACAGGTGAATTTGGCTAGGTGGCCCA-3'